The following is an entry in ClinVar:

NM_001822.7(CHN1):c.443A>G (p.Tyr148Cys)

Gene: CHN1 (chimerin 1; minus strand). Cytogenetic location: 2q31.1.
Variant type: single nucleotide variant.
Coding change: c.443A>G on transcript NM_001822.7 (MANE Select); coding-DNA position 443, A replaced by G.
Protein change: p.Tyr148Cys; replaces tyrosine 148 with cysteine.
Molecular consequence: missense variant.
Genome position (GRCh38, 1-based): chr2:174,877,946, T>C on the plus strand (A>G on the coding strand, the complement: CHN1 is on the minus strand). VCF-style: chr2-174877946-T-C. GRCh37 (hg19) VCF-style: chr2-175742674-T-C.
Other names: c.443A>G, p.Tyr148Cys (NM_001025201.4, NM_001371513.1); c.494A>G, p.Tyr165Cys (NM_001371514.1); short protein forms Y165C, Y148C.
Identifiers: ClinVar variation 3492407 (VCV003492407.2).
Genomic context (GRCh38, chr2:174,877,946, plus strand): 5'-TGTGTCTCTTTCAGGACTGGCATATGTTTTTTGTATGCTGGCTCTCTGTTTAAGGTTGTG[T>C]ATCCTACGTGCTCATAAATTGGGTTTATCGTCATCTTGGCAATGTATTCTGCTGCCTTGG-3'
Protein context (NP_001813.1, residues 138-158): TINPIYEHVG[Tyr148Cys]TTLNREPAYK

ClinVar aggregate classification (germline): Uncertain significance (1 of 4 stars; one submission).

Conditions:
Inborn genetic diseases. Identifiers: MedGen C0950123, MeSH D030342.

Submission:

Ambry Genetics
Classification: Uncertain significance for Inborn genetic diseases. Last evaluated: 2025-03-25. Review status: criteria provided, single submitter. Criteria: Ambry Variant Classification Scheme 2023. Collection method: clinical testing. Allele origin: germline.
Comment: The c.443A>G (p.Y148C) alteration is located in exon 6 (coding exon 6) of the CHN1 gene. This alteration results from a A to G substitution at nucleotide position 443, causing the tyrosine (Y) at amino acid position 148 to be replaced by a cysteine (C). This variant was not reported in population-based cohorts in the Genome Aggregation Database (gnomAD). Another variant at the same codon, c.443A>T (p.Y148F), has been identified in individual(s) with with ocular dysmotility (Miyake, 2011). This amino acid position is highly conserved in available vertebrate species. This alteration is predicted to be deleterious by in silico analysis. Based on insufficient or conflicting evidence, the clinical significance of this alteration remains unclear.

Literature cited by the submitters: PubMed 21715346.